The following is an entry in ClinVar:

ClinVar aggregate classification (germline): Conflicting classifications of pathogenicity. Review status: criteria provided, conflicting classifications (1 of 4 stars). 9 submissions from 9 submitters: Uncertain significance (5); Likely benign (3). 1 of the submissions does not count toward it. Last evaluated 2026-02-01.

Conditions:
PALB2-related disorder. Also called: PALB2-related condition; PALB2-related disorders.
Hereditary cancer-predisposing syndrome. Also called: Hereditary Cancer Syndrome; Hereditary neoplastic syndrome; Neoplastic Syndromes, Hereditary; Tumor predisposition. Identifiers: Orphanet 140162, MedGen C0027672, MeSH D009386, MONDO:0015356.
Familial cancer of breast. Also called: Hereditary breast cancer; BREAST CANCER, FAMILIAL; hereditary breast carcinoma. Identifiers: Orphanet 227535, MedGen C0346153, MONDO:0016419, OMIM 114480. Disease mechanism: loss of function.

Allele frequency attached by ClinVar (database versions not stated): gnomAD exomes below 0.00001 and 0.00001; ExAC 0.00001; TOPMed 0.00005; gnomAD 0.00006; ESP Exome Variant Server 0.00008.
gnomAD v4.1: 11 of 1,613,916 alleles (0.00068%); highest among the groups gnomAD compares: African/African-American, 0.012%; no homozygotes.

Submissions (9):

Labcorp Genetics (formerly Invitae), Labcorp
Classification: Likely benign for Familial cancer of breast. Last evaluated: 2026-02-01. Review status: criteria provided, single submitter. Criteria: Invitae Variant Classification Sherloc (09022015). Collection method: clinical testing. Allele origin: germline.

Quest Diagnostics Nichols Institute San Juan Capistrano
Classification: Uncertain significance. Last evaluated: 2025-10-18. Review status: criteria provided, single submitter. Criteria: Quest Diagnostics criteria. Collection method: clinical testing. Allele origin: unknown.
Comment: The PALB2 c.929G>A (p.Ser310Asn) variant has not been reported in individuals with PALB2-related conditions in the published literature. The frequency of this variant in the general population (Genome Aggregation Database) is uninformative in the assessment of its pathogenicity. Analysis of this variant using bioinformatics tools for the prediction of the effect of amino acid changes on protein structure and function yielded predictions that this variant is benign. Based on the available information, we are unable to determine the clinical significance of this variant.

Myriad Genetics, Inc.
Classification: Likely benign for Familial cancer of breast. Last evaluated: 2025-01-13. Review status: criteria provided, single submitter. Criteria: Myriad Autosomal Dominant, Autosomal Recessive and X-Linked Classification Criteria (2023). Collection method: clinical testing. Allele origin: unknown.
Comment: This variant is considered likely benign. This variant is strongly associated with less severe personal and family histories of cancer, typical for individuals without pathogenic variants in this gene [PMID: 25085752].

GeneDx
Classification: Uncertain significance. Last evaluated: 2024-10-28. Review status: criteria provided, single submitter. Criteria: GeneDx Variant Classification Process June 2021. Collection method: clinical testing. Allele origin: germline. Affected: yes.
Comment: Not observed at significant frequency in large population cohorts (gnomAD); In silico analysis indicates that this missense variant does not alter protein structure/function; Has not been previously published as pathogenic or benign to our knowledge; This variant is associated with the following publications: (PMID: 19369211)

Ambry Genetics
Classification: Likely benign for Hereditary cancer-predisposing syndrome. Last evaluated: 2024-05-31. Review status: criteria provided, single submitter. Criteria: Ambry Variant Classification Scheme 2023. Collection method: clinical testing. Allele origin: germline.

Women's Health and Genetics/Laboratory Corporation of America, LabCorp
Classification: Uncertain significance. Last evaluated: 2024-05-24. Review status: criteria provided, single submitter. Criteria: LabCorp Variant Classification Summary - May 2015. Collection method: clinical testing. Allele origin: germline.

St. Jude Molecular Pathology, St. Jude Children's Research Hospital
Classification: Uncertain significance for Familial cancer of breast. Last evaluated: 2023-07-27. Review status: criteria provided, single submitter. Criteria: St. Jude Assertion Criteria 2020. Collection method: clinical testing. Allele origin: germline.
Comment: The PALB2 c.929G>A (p.Ser310Asn) missense change has a maximum subpopulation frequency of 0.0080% in gnomAD v2.1.1. The in silico tool REVEL predicts a benign effect on protein function, but to our knowledge this prediction has not been confirmed by functional studies. This variant is absent in a database of women older than 70 years of age who have never had cancer (FLOSSIES) To our knowledge, this variant has not been reported in individuals with a personal and/or family history of breast and/or ovarian cancer or in individuals with Fanconi anemia. In summary, the evidence currently available is insufficient to determine the clinical significance of this variant. It has therefore been classified as of uncertain significance.

Color Diagnostics, LLC DBA Color Health
Classification: Uncertain significance for Hereditary cancer-predisposing syndrome. Last evaluated: 2023-04-03. Review status: criteria provided, single submitter. Criteria: ACMG Guidelines, 2015. Collection method: clinical testing. Allele origin: germline.
Comment: This missense variant replaces serine with asparagine at codon 310 of the PALB2 protein. Computational prediction suggests that this variant may not impact protein structure and function (internally defined REVEL score threshold <= 0.5, PMID: 27666373). To our knowledge, functional studies have not been reported for this variant. This variant has not been reported in individuals affected with hereditary cancer in the literature. This variant has been identified in 3/282550 chromosomes in the general population by the Genome Aggregation Database (gnomAD). The available evidence is insufficient to determine the role of this variant in disease conclusively. Therefore, this variant is classified as a Variant of Uncertain Significance.

PreventionGenetics, part of Exact Sciences
Classification: Uncertain significance for PALB2-related condition. Last evaluated: 2024-04-25. Review status: no assertion criteria provided. Collection method: clinical testing. Allele origin: germline. Not counted in ClinVar's aggregate classification.
Comment: The PALB2 c.929G>A variant is predicted to result in the amino acid substitution p.Ser310Asn. To our knowledge, this variant has not been reported in the literature. This variant is reported in 0.0080% of alleles in individuals of African descent in gnomAD. Other variant at this codon p.Ser310Gly has been reported in an individual with breast cancer and an individual with melanoma (Table S3, Pritchard et al. 2018. PubMed ID: 29641532; Supplement, Tung et al. 2015. PubMed ID: 25186627) and it has also been reported in cases and controls from an ovarian cancer cohort study (Ramus et al. 2015. PubMed ID: 26315354). The p.Ser310Asn variant is interpreted as uncertain significance by the majority of submitters in ClinVar. At this time, the clinical significance of p.Ser310Asn variant is uncertain due to the absence of conclusive functional and genetic evidence.

Literature cited by the submitters: PubMed 25085752 (cited by Myriad Genetics, Inc.).

NM_024675.4(PALB2):c.929G>A (p.Ser310Asn)

Gene: PALB2 (partner and localizer of BRCA2; minus strand). Cytogenetic location: 16p12.2.
Variant type: single nucleotide variant.
Coding change: c.929G>A on transcript NM_024675.4 (MANE Select); coding-DNA position 929, G replaced by A.
Protein change: p.Ser310Asn; replaces serine 310 with asparagine.
Molecular consequence: missense variant.
Genome position (GRCh38, 1-based): chr16:23,635,617, C>T on the plus strand (G>A on the coding strand, the complement: PALB2 is on the minus strand). VCF-style: chr16-23635617-C-T. GRCh37 (hg19) VCF-style: chr16-23646938-C-T.
Other names: short protein forms S310N.
Identifiers: ClinVar variation 216762 (VCV000216762.28), dbSNP rs370887726, ClinGen allele CA336641.
Genomic context (GRCh38, chr16:23,635,617, plus strand): 5'-TTTAGAGAACATGAAATATTTGCCTCTAAATTAGAACTTGTGGGCAGTTGGCCACTTTTA[C>T]TTATAGCTTTATTTACAAGGAGGTTATCTGTAGAGACAGTCATTTTTTTGCCTTGTGCCT-3'
Protein context (NP_078951.2, residues 300-320): TDNLLVNKAI[Ser310Asn]KSGQLPTSSN